The following is an entry in ClinVar:

NC_000001.11:g.29195999_29196014A[5]TGAGCAGGCTCGGCCGGGCGCGGTGGCTCACGCCTGTAATCCCAGCACTTTGGGAGGCCGAGGCGGGCGGATCACGAGNNNNNNNNNNAAAAAAAAAAAAAAAAAAAAAAAAATGAGCAGGCTC[1]

Gene: MECR (mitochondrial trans-2-enoyl-CoA reductase; minus strand). Cytogenetic location: 1p35.3.
Variant type: Microsatellite.
Genome position: GRCh38: chr1:29,195,999-29,196,014. GRCh37 (hg19), VCF-style position (the base before the change): chr1:29,522,510.
Identifiers: ClinVar variation 2836545 (VCV002836545.3).

ClinVar aggregate classification (germline): Pathogenic (1 of 4 stars; one submission).

Submission:

Labcorp Genetics (formerly Invitae), Labcorp
Classification: Pathogenic. Last evaluated: 2024-03-13. Review status: criteria provided, single submitter. Criteria: Invitae Variant Classification Sherloc (09022015). Collection method: clinical testing. Allele origin: germline.
Comment: This sequence change inserts a large fragment of DNA, likely a transposable element, in exon 9 of the MECR gene (c.906_907ins?), causing a frameshift at codon 303 (p.Lys303fs). The exact size and sequence of the insertion cannot be determined by the current assay. However, the insertion is expected to result in an absent or disrupted protein product. This variant is not present in population databases (gnomAD no frequency). This variant has not been reported in the literature in individuals affected with MECR-related conditions. Retrotransposon insertions including LINE1 (L1), Alu, and SVA (SINE-VNTR-Alu) have been reported to be disease-causing through disruption of either a coding region or splice site (PMID: 19763152, 20307669, 22406018) and loss-of-function variants in MECR are known to be pathogenic (PMID: 27817865). For these reasons, this variant has been classified as Pathogenic.

Literature cited by the submitters: PubMed 19763152; PubMed 20307669; PubMed 22406018; PubMed 27817865.